The following is an entry in ClinVar:

NM_201384.3(PLEC):c.3121G>A (p.Ala1041Thr)

Gene: PLEC (plectin; minus strand). Cytogenetic location: 8q24.3.
Variant type: single nucleotide variant.
Coding change: c.3121G>A on transcript NM_201384.3 (MANE Select); coding-DNA position 3121, G replaced by A.
Protein change: p.Ala1041Thr; replaces alanine 1041 with threonine.
Molecular consequence: missense variant.
Genome position (GRCh38, 1-based): chr8:143,929,242, C>T on the plus strand (G>A on the coding strand, the complement: PLEC is on the minus strand). VCF-style: chr8-143929242-C-T. GRCh37 (hg19) VCF-style: chr8-145003410-C-T.
Other names: p.Ala1068Thr; c.3202G>A (NM_000445.3); c.3202G>A, p.Ala1068Thr (NM_000445.5); c.3079G>A, p.Ala1027Thr (NM_201378.4); c.3055G>A, p.Ala1019Thr (NM_201379.3); c.3532G>A, p.Ala1178Thr (NM_201380.4); c.3025G>A, p.Ala1009Thr (NM_201381.3); c.3121G>A, p.Ala1041Thr (NM_201382.4); and 1 more; short protein forms A1009T, A1019T, A1027T, A1041T, A1045T, A1068T, A1178T.
Identifiers: ClinVar variation 1001520 (VCV001001520.8), dbSNP rs782655709, ClinGen allele CA4927199.

ClinVar aggregate classification (germline): Uncertain significance. Review status: criteria provided, multiple submitters, no conflicts (2 of 4 stars). 3 submissions from 3 submitters: Uncertain significance (3). Last evaluated 2025-10-23.

Conditions:
Inborn genetic diseases. Identifiers: MedGen C0950123, MeSH D030342.
Epidermolysis bullosa simplex 5B, with muscular dystrophy (EBS5B). Also called: Epidermolysis bullosa simplex with muscular dystrophy; EPIDERMOLYSIS BULLOSA SIMPLEX AND LIMB-GIRDLE MUSCULAR DYSTROPHY. Identifiers: Orphanet 257, MedGen C2931072, MONDO:0009181, OMIM 226670.
Epidermolysis bullosa simplex, Ogna type (EBS5A). Also called: Pidermolysis bullosa simplex 5A, Ogna type; EPIDERMOLYSIS BULLOSA SIMPLEX 5A, OGNA TYPE. Identifiers: Orphanet 79401, MedGen C0432317, MONDO:0007555, OMIM 131950.
Epidermolysis bullosa simplex 5C, with pyloric atresia (EBS5C). Also called: PLEC-Related Epidermolysis Bullosa with Pyloric Atresia; Epidermolysis bullosa simplex with pyloric atresia; PLEC1-Related Epidermolysis Bullosa with Pyloric Atresia. Identifiers: Orphanet 158684, MedGen C2677349, MONDO:0012807, OMIM 612138.
Autosomal recessive limb-girdle muscular dystrophy type 2Q (LGMDR17). Also called: MUSCULAR DYSTROPHY, LIMB-GIRDLE, AUTOSOMAL RECESSIVE 17. Identifiers: Orphanet 254361, MedGen C3150989, MONDO:0013390, OMIM 613723.
Epidermolysis bullosa simplex with nail dystrophy (EBS5D). Identifiers: MedGen C4225309, MONDO:0014661, OMIM 616487.

Allele frequency attached by ClinVar (database versions not stated): ExAC 0.00001; gnomAD exomes 0.00002; gnomAD 0.00004; TOPMed 0.00005.
gnomAD v4.1: 268 of 1,601,762 alleles (0.017%); highest among the groups gnomAD compares: Non-Finnish European, 0.022%; no homozygotes.

Submissions (3):

Labcorp Genetics (formerly Invitae), Labcorp
Classification: Uncertain significance for Autosomal recessive limb-girdle muscular dystrophy type 2Q; Epidermolysis bullosa simplex, Ogna type; Epidermolysis bullosa simplex with nail dystrophy; Epidermolysis bullosa simplex 5C, with pyloric atresia; Epidermolysis bullosa simplex 5B, with muscular dystrophy. Last evaluated: 2025-10-23. Review status: criteria provided, single submitter. Criteria: Invitae Variant Classification Sherloc (09022015). Collection method: clinical testing. Allele origin: germline.
Comment: This sequence change replaces alanine, which is neutral and non-polar, with threonine, which is neutral and polar, at codon 1068 of the PLEC protein (p.Ala1068Thr). This variant is present in population databases (rs782655709, gnomAD 0.01%). This variant has not been reported in the literature in individuals affected with PLEC-related conditions. ClinVar contains an entry for this variant (Variation ID: 1001520). Invitae Evidence Modeling of protein sequence and biophysical properties (such as structural, functional, and spatial information, amino acid conservation, physicochemical variation, residue mobility, and thermodynamic stability) indicates that this missense variant is not expected to disrupt PLEC protein function with a negative predictive value of 80%. In summary, the available evidence is currently insufficient to determine the role of this variant in disease. Therefore, it has been classified as a Variant of Uncertain Significance.

Mayo Clinic Laboratories, Mayo Clinic
Classification: Uncertain significance. Last evaluated: 2025-05-19. Review status: criteria provided, single submitter. Criteria: ACMG Guidelines, 2015. Collection method: clinical testing. Allele origin: germline. Observed: 1 variant allele.
Comment: BP4_moderate, PM2_supporting

Ambry Genetics
Classification: Uncertain significance for Inborn genetic diseases. Last evaluated: 2022-10-03. Review status: criteria provided, single submitter. Criteria: Ambry Variant Classification Scheme 2023. Collection method: clinical testing. Allele origin: germline.